The following is an entry in ClinVar:

ClinVar aggregate classification (germline): Uncertain significance. Review status: criteria provided, multiple submitters, no conflicts (2 of 4 stars). 3 submissions from 3 submitters: Uncertain significance (3). Last evaluated 2026-04-14.

Conditions:
Progressive familial intrahepatic cholestasis type 2. Identifiers: Orphanet 79304, MedGen C3489789, MONDO:0011156, OMIM 601847.
Familial intrahepatic cholestasis. Identifiers: Orphanet 284385, MedGen CN296401, MONDO:0017290.

Allele frequency attached by ClinVar (database versions not stated): ExAC 0.00001.

Submissions (3):

Genomenon, Inc
Classification: Uncertain significance for Familial intrahepatic cholestasis. Last evaluated: 2026-04-14. Review status: criteria provided, single submitter. Criteria: Genomenon Sequence Variant Interpretation Standards - Updated. Collection method: curation. Allele origin: germline. Affected: no.
Comment: ABCB11 p.Cys405Arg (c.1213T>C) is a missense variant that changes the amino acid at residue 405 from Cysteine to Arginine. This variant has been reported in the published literature (PMID:32203204;24614073). It is absent or not present at a significant frequency in gnomAD. In conclusion, we classify ABCB11 p.Cys405Arg (c.1213T>C) as a variant of uncertain significance.

Broad Center for Mendelian Genomics, Broad Institute of MIT and Harvard
Classification: Uncertain significance for Progressive familial intrahepatic cholestasis type 2. Last evaluated: 2025-01-29. Review status: criteria provided, single submitter. Criteria: ACMG Guidelines, 2015. Collection method: curation. Allele origin: germline. Inheritance: Autosomal recessive inheritance.
Comment: The p.Cys405Arg variant in ABCB11 has been reported, in the homozygous state, in 1 individual with BSEP deficiency (PMID: 32203204), and has been identified in 0.007% (5/74960) of African/African American chromosomes by the Genome Aggregation Database (gnomAD, dbSNP rs780343280). Although this variant has been seen in the general population in a heterozygous state, its frequency is low enough to be consistent with a recessive carrier frequency. This variant has also been reported in ClinVar (Variation ID: 2682542) and has been interpreted as a variant of uncertain significance by Women's Health and Genetics/Laboratory Corporation of America (LabCorp). Computational prediction tools and conservation analyses suggest that this variant may impact the protein, though this information is not predictive enough to determine pathogenicity. In summary, the clinical significance of the p.Cys405Arg variant is uncertain. ACMG/AMP Criteria applied: PM2_supporting, PM3_supporting (Richards 2015).

Women's Health and Genetics/Laboratory Corporation of America, LabCorp
Classification: Uncertain significance. Last evaluated: 2023-11-15. Review status: criteria provided, single submitter. Criteria: LabCorp Variant Classification Summary - May 2015. Collection method: clinical testing. Allele origin: germline.
Comment: Variant summary: ABCB11 c.1213T>C (p.Cys405Arg) results in a non-conservative amino acid change in the encoded protein sequence. Four of four in-silico tools predict a damaging effect of the variant on protein function. The variant was absent in 247694 control chromosomes. c.1213T>C has been reported in the literature in individuals affected with Familial Intrahepatic Cholestasis (Vogel_2020). These data indicate that the variant may be associated with disease. To our knowledge, no experimental evidence demonstrating an impact on protein function has been reported. The following publications have been ascertained in the context of this evaluation (PMID: 24614073, 32203204). No submitters have cited clinical-significance assessments for this variant to ClinVar after 2014. Based on the evidence outlined above, the variant was classified as VUS-possibly pathogenic.

Literature cited by the submitters: PubMed 32203204 (cited by Genomenon, Inc and Women's Health and Genetics/Laboratory Corporation of America, LabCorp); PubMed 24614073 (cited by Genomenon, Inc and Women's Health and Genetics/Laboratory Corporation of America, LabCorp).

NM_003742.4(ABCB11):c.1213T>C (p.Cys405Arg)

Gene: ABCB11 (ATP binding cassette subfamily B member 11; minus strand). Cytogenetic location: 2q31.1.
Variant type: single nucleotide variant.
Coding change: c.1213T>C on transcript NM_003742.4 (MANE Select); coding-DNA position 1213, T replaced by C.
Protein change: p.Cys405Arg; replaces cysteine 405 with arginine.
Molecular consequence: missense variant.
Genome position (GRCh38, 1-based): chr2:168,976,672, A>G on the plus strand (T>C on the coding strand, the complement: ABCB11 is on the minus strand). VCF-style: chr2-168976672-A-G. GRCh37 (hg19) VCF-style: chr2-169833182-A-G.
Other names: NM_003742.4(ABCB11):c.1213T>C; p.Cys405Arg; short protein forms C405R.
Identifiers: ClinVar variation 2682542 (VCV002682542.3), dbSNP rs780343280, ClinGen allele CA1951646.